The following is an entry in ClinVar:

NM_138694.4(PKHD1):c.8207G>C (p.Trp2736Ser)

Gene: PKHD1 (PKHD1 ciliary IPT domain containing fibrocystin/polyductin; minus strand). Cytogenetic location: 6p12.2.
Variant type: single nucleotide variant.
Coding change: c.8207G>C on transcript NM_138694.4 (MANE Select); coding-DNA position 8207, G replaced by C.
Protein change: p.Trp2736Ser; replaces tryptophan 2736 with serine.
Molecular consequence: missense variant.
Genome position (GRCh38, 1-based): chr6:51,830,956, C>G on the plus strand (G>C on the coding strand, the complement: PKHD1 is on the minus strand). VCF-style: chr6-51830956-C-G. GRCh37 (hg19) VCF-style: chr6-51695754-C-G.
Other names: c.8207G>C, p.Trp2736Ser (NM_170724.3); short protein forms W2736S.
Identifiers: ClinVar variation 568448 (VCV000568448.9), dbSNP rs1562410452, ClinGen allele CA364423818.
Genomic context (GRCh38, chr6:51,830,956, plus strand): 5'-ATGGTATTGTTGTATCCTCCCCAGCCTTCTTCAACACCTTGCCATGTTTCAGGGAGGGAC[C>G]ATTTTAAAGCTGATTCAGGGGCAGAGGTAGAAGCTAGAAAATAAAAAAAAATTTTGAAAA-3'
Protein context (NP_619639.3, residues 2726-2746): STSAPESALK[Trp2736Ser]SLPETWQGVE

ClinVar aggregate classification (germline): Uncertain significance (1 of 4 stars; one submission).

Conditions:
Autosomal recessive polycystic kidney disease (ARPKD). Also called: AR polycystic kidney disease. Identifiers: Orphanet 731, Orphanet 8378, MedGen C0085548, MeSH D017044, MONDO:0009889.

Submission:

Labcorp Genetics (formerly Invitae), Labcorp
Classification: Uncertain significance for Autosomal recessive polycystic kidney disease. Last evaluated: 2018-04-16. Review status: criteria provided, single submitter. Criteria: Invitae Variant Classification Sherloc (09022015). Collection method: clinical testing. Allele origin: germline.
Comment: This sequence change replaces tryptophan with serine at codon 2736 of the PKHD1 protein (p.Trp2736Ser). The tryptophan residue is highly conserved and there is a large physicochemical difference between tryptophan and serine. This variant is not present in population databases (ExAC no frequency). This variant has not been reported in the literature in individuals with PKHD1-related disease. Algorithms developed to predict the effect of missense changes on protein structure and function do not agree on the potential impact of this missense change (SIFT: "Deleterious"; PolyPhen-2: "Probably Damaging"; Align-GVGD: "Class C0"). In summary, the available evidence is currently insufficient to determine the role of this variant in disease. Therefore, it has been classified as a Variant of Uncertain Significance.